The following is an entry in ClinVar:

ClinVar aggregate classification (germline): Pathogenic (1 of 4 stars; one submission).

Conditions:
Alagille syndrome due to a JAG1 point mutation. Also called: HEPATIC DUCTULAR HYPOPLASIA, SYNDROMATIC; JAG1-Related Alagille Syndrome; Alagille Syndrome 1. Identifiers: Orphanet 261619, Orphanet 52, MedGen C1956125, MONDO:0016862, OMIM 118450.

Submission:

Labcorp Genetics (formerly Invitae), Labcorp
Classification: Pathogenic for Alagille syndrome due to a JAG1 point mutation. Last evaluated: 2022-06-07. Review status: criteria provided, single submitter. Criteria: Invitae Variant Classification Sherloc (09022015). Collection method: clinical testing. Allele origin: germline.
Comment: This sequence change creates a premature translational stop signal (p.Gly193Alafs*219) in the JAG1 gene. It is expected to result in an absent or disrupted protein product. Loss-of-function variants in JAG1 are known to be pathogenic (PMID: 11180599). This variant is not present in population databases (gnomAD no frequency). This variant has not been reported in the literature in individuals affected with JAG1-related conditions. ClinVar contains an entry for this variant (Variation ID: 965666). For these reasons, this variant has been classified as Pathogenic.

Literature cited by the submitters: PubMed 11180599.

NM_000214.3(JAG1):c.578del (p.Gly193fs)

Gene: JAG1 (jagged canonical Notch ligand 1; minus strand). Cytogenetic location: 20p12.2.
Variant type: Deletion.
Coding change: c.578del on transcript NM_000214.3 (MANE Select); coding-DNA position 578, one base deleted (G; older notation c.578delG).
Protein change: p.Gly193fs; shifts the reading frame from glycine 193.
Molecular consequence: frameshift variant.
Genome position (GRCh38, 1-based): chr20:10,658,584, C deleted on the plus strand (G on the coding strand, the reverse complement: JAG1 is on the minus strand); the first of 2 consecutive C bases (chr20:10,658,584-10,658,585); deleting either gives the same sequence. VCF-style (leftmost placement, unchanged base first): chr20-10658583-GC-G. GRCh37 (hg19) VCF-style: chr20-10639231-GC-G.
Other names: short protein forms G193fs.
Identifiers: ClinVar variation 965666 (VCV000965666.8), dbSNP rs2067393549, ClinGen allele CA1139665906.